The following is an entry in ClinVar:

NM_017775.4(TTC19):c.793C>T (p.Gln265Ter)

Gene: TTC19 (tetratricopeptide repeat domain 19; plus strand). Cytogenetic location: 17p12.
Variant type: single nucleotide variant.
Coding change: c.793C>T on transcript NM_017775.4 (MANE Select); coding-DNA position 793, C replaced by T.
Protein change: p.Gln265Ter; replaces glutamine 265 with a stop codon.
Molecular consequence: nonsense.
Genome position (GRCh38, 1-based): chr17:16,025,133, C>T. VCF-style: chr17-16025133-C-T. GRCh37 (hg19) VCF-style: chr17-15928447-C-T.
Other names: c.472C>T, p.Gln158Ter (NM_001271420.2); short protein forms Q158*, Q265*.
Identifiers: ClinVar variation 1386909 (VCV001386909.6), dbSNP rs773904382, ClinGen allele CA8407518.

ClinVar aggregate classification (germline): Pathogenic (1 of 4 stars; one submission).

Allele frequency attached by ClinVar (database versions not stated): ExAC 0.00001; gnomAD exomes 0.00002.
gnomAD v4.1: 5 of 1,613,926 alleles (0.00031%); highest among the groups gnomAD compares: Admixed American, 0.0033%; no homozygotes.

Submission:

Labcorp Genetics (formerly Invitae), Labcorp
Classification: Pathogenic. Last evaluated: 2024-03-23. Review status: criteria provided, single submitter. Criteria: Invitae Variant Classification Sherloc (09022015). Collection method: clinical testing. Allele origin: germline.
Comment: This sequence change creates a premature translational stop signal (p.Gln265*) in the TTC19 gene. It is expected to result in an absent or disrupted protein product. Loss-of-function variants in TTC19 are known to be pathogenic (PMID: 21278747, 24368687). This variant is present in population databases (rs773904382, gnomAD 0.006%). This variant has not been reported in the literature in individuals affected with TTC19-related conditions. ClinVar contains an entry for this variant (Variation ID: 1386909). For these reasons, this variant has been classified as Pathogenic.

Literature cited by the submitters: PubMed 21278747; PubMed 24368687.